The following is an entry in ClinVar:

ClinVar aggregate classification (germline): Conflicting classifications of pathogenicity. Review status: criteria provided, conflicting classifications (1 of 4 stars). 3 submissions from 3 submitters: Uncertain significance (2); Likely benign (1). Last evaluated 2025-07-14.

Conditions:
Neurofibromatosis, type 2 (SWNV). Also called: BILATERAL ACOUSTIC NEUROFIBROMATOSIS; SCHWANNOMATOSIS, VESTIBULAR; NF2-Related Schwannomatosis. Identifiers: Orphanet 637, MedGen C0027832, MONDO:0007039, OMIM 101000. Disease mechanism: loss of function.

Submissions (3):

Color Diagnostics, LLC DBA Color Health
Classification: Uncertain significance for Neurofibromatosis, type 2. Last evaluated: 2025-07-14. Review status: criteria provided, single submitter. Criteria: ACMG Guidelines, 2015. Collection method: clinical testing. Allele origin: germline.
Comment: This variant is located in the NF2 protein. To our knowledge, functional studies have not been reported for this variant. This variant has not been reported in individuals affected with NF2-related disorders in the literature. This variant has not been identified in the general population by the Genome Aggregation Database (gnomAD). The available evidence is insufficient to determine the role of this variant in disease conclusively. Therefore, this variant is classified as a Variant of Uncertain Significance.

Labcorp Genetics (formerly Invitae), Labcorp
Classification: Likely benign for Neurofibromatosis, type 2. Last evaluated: 2025-03-23. Review status: criteria provided, single submitter. Criteria: Invitae Variant Classification Sherloc (09022015). Collection method: clinical testing. Allele origin: germline.

All of Us Research Program, National Institutes of Health
Classification: Uncertain significance for Neurofibromatosis, type 2. Last evaluated: 2023-08-28. Review status: criteria provided, single submitter. Criteria: ACMG Guidelines, 2015. Collection method: clinical testing. Allele origin: germline. Inheritance: Autosomal dominant inheritance. Observed: 1 variant allele, 1 heterozygote.
Comment: This variant is located in the NF2 protein. To our knowledge, functional studies have not been reported for this variant. This variant has not been reported in individuals affected with NF2-related disorders in the literature. This variant has not been identified in the general population by the Genome Aggregation Database (gnomAD). The available evidence is insufficient to determine the role of this variant in disease conclusively. Therefore, this variant is classified as a Variant of Uncertain Significance.

This study involves interpretation of variants in research participants for the purpose of population health screening. Participant phenotype was not available at the time of variant classification. Additional details can be found in publication PMID: 35346344, PMCID: PMC8962531

NM_000268.4(NF2):c.69C>G (p.Thr23=)

Gene: NF2 (NF2, moesin-ezrin-radixin like (MERLIN) tumor suppressor; plus strand). Cytogenetic location: 22q12.2.
Variant type: single nucleotide variant.
Coding change: c.69C>G on transcript NM_000268.4 (MANE Select); coding-DNA position 69, C replaced by G.
Protein change: p.Thr23=; no amino-acid change (threonine 23 retained).
Molecular consequence: synonymous variant. On other transcripts: non-coding transcript variant (1).
Genome position (GRCh38, 1-based): chr22:29,604,067, C>G. VCF-style: chr22-29604067-C-G. GRCh37 (hg19) VCF-style: chr22-30000056-C-G.
Other names: c.69C>G, p.Thr23= (NM_016418.5, NM_181825.3, NM_181828.3 and 5 more transcripts).
Identifiers: ClinVar variation 964500 (VCV000964500.11), dbSNP rs2064716137, ClinGen allele CA514184245.
Genomic context (GRCh38, chr22:29,604,067, plus strand): 5'-GGCCATCGCTTCCCGCATGAGCTTCAGCTCTCTCAAGAGGAAGCAACCCAAGACGTTCAC[C>G]GTGAGGATCGTCACCATGGACGCCGAGATGGAGTTCAATTGCGAGGTAACCGGCCGGCAG-3'
Protein context (NP_000259.1, residues 13-33): SLKRKQPKTF[Thr23=]VRIVTMDAEM